The following is an entry in ClinVar:

NM_000320.3(QDPR):c.*403A>G

Gene: QDPR (quinoid dihydropteridine reductase; minus strand). Cytogenetic location: 4p15.32.
Variant type: single nucleotide variant.
Coding change: c.*403A>G on transcript NM_000320.3 (MANE Select); 403 bases downstream of the stop codon, A replaced by G.
Molecular consequence: 3 prime UTR variant. On other transcripts: non-coding transcript variant (1).
Genome position (GRCh38, 1-based): chr4:17,486,728, T>C on the plus strand (A>G on the coding strand, the complement: QDPR is on the minus strand). VCF-style: chr4-17486728-T-C. GRCh37 (hg19) VCF-style: chr4-17488351-T-C.
Other names: c.*403A>G (NM_001306140.2).
Identifiers: ClinVar variation 348145 (VCV000348145.6), dbSNP rs1049600, ClinGen allele CA10617447.

ClinVar aggregate classification (germline): Benign. Review status: criteria provided, multiple submitters, no conflicts (2 of 4 stars). 2 submissions from 2 submitters: Benign (2). Last evaluated 2018-01-12.

Conditions:
Dihydropteridine reductase deficiency (HPABH4C). Also called: HYPERPHENYLALANINEMIA, TETRAHYDROBIOPTERIN-DEFICIENT, DUE TO DHPR DEFICIENCY; BH4-Deficient Hyperphenylalaninemia C; Hyperphenylalaninemia due to dihydropteridine reductase deficiency; Hyperphenylalaninemia, BH-4-deficient, C; Phenylketonuria type 2; DHPR DEFICIENCY. Identifiers: Orphanet 226, Orphanet 238583, MedGen C0268465, MONDO:0009862, OMIM 261630.

Allele frequency attached by ClinVar (database versions not stated): 1000 Genomes Project 30x 0.19176; gnomAD exomes 0.06797; gnomAD 0.11145 and 0.10881; TOPMed 0.12150; 1000 Genomes Project 0.19848.
gnomAD v4.1: 22,586 of 237,910 alleles (9.5%); highest among the groups gnomAD compares: East Asian, 44%; 2,632 homozygotes.

Submissions (2):

Illumina Laboratory Services, Illumina
Classification: Benign for Dihydropteridine reductase deficiency. Last evaluated: 2018-01-12. Review status: criteria provided, single submitter. Criteria: ICSL Variant Classification Criteria 13 December 2019. Collection method: clinical testing. Allele origin: germline.
Comment: This variant was observed in the ICSL laboratory as part of a predisposition screen in an ostensibly healthy population. It had not been previously curated by ICSL or reported in the Human Gene Mutation Database (HGMD: prior to June 1st, 2018), and was therefore a candidate for classification through an automated scoring system. Utilizing variant allele frequency, disease prevalence and penetrance estimates, and inheritance mode, an automated score was calculated to assess if this variant is too frequent to cause the disease. Based on the score and internal cut-off values, a variant classified as benign is not then subjected to further curation. The score for this variant resulted in a classification of benign for this disease.

Breakthrough Genomics
Classification: Benign. Review status: criteria provided, single submitter. Criteria: ACMG Guidelines, 2015. Collection method: not provided. Allele origin: germline. Inheritance: Autosomal recessive inheritance. Affected: yes.